The following is an entry in ClinVar:

NM_001288705.3(CSF1R):c.542T>G (p.Met181Arg)

Gene: CSF1R (colony stimulating factor 1 receptor; minus strand). Cytogenetic location: 5q32.
Variant type: single nucleotide variant.
Coding change: c.542T>G on transcript NM_001288705.3 (MANE Select); coding-DNA position 542, T replaced by G.
Protein change: p.Met181Arg; replaces methionine 181 with arginine.
Molecular consequence: missense variant. On other transcripts: non-coding transcript variant (2).
Genome position (GRCh38, 1-based): chr5:150,080,102, A>C on the plus strand (T>G on the coding strand, the complement: CSF1R is on the minus strand). VCF-style: chr5-150080102-A-C. GRCh37 (hg19) VCF-style: chr5-149459665-A-C.
Other names: c.542T>G, p.Met181Arg (NM_001349736.2, NM_001375320.1, NM_005211.4); c.98T>G, p.Met33Arg (NM_001375321.1); short protein forms M181R, M33R.
Identifiers: ClinVar variation 2119067 (VCV002119067.4), dbSNP rs2481045446, ClinGen allele CA361732857.

ClinVar aggregate classification (germline): Uncertain significance (1 of 4 stars; one submission).

Submission:

Labcorp Genetics (formerly Invitae), Labcorp
Classification: Uncertain significance. Last evaluated: 2022-06-13. Review status: criteria provided, single submitter. Criteria: Invitae Variant Classification Sherloc (09022015). Collection method: clinical testing. Allele origin: germline.
Comment: This sequence change replaces methionine, which is neutral and non-polar, with arginine, which is basic and polar, at codon 181 of the CSF1R protein (p.Met181Arg). In summary, the available evidence is currently insufficient to determine the role of this variant in disease. Therefore, it has been classified as a Variant of Uncertain Significance. Advanced modeling of protein sequence and biophysical properties (such as structural, functional, and spatial information, amino acid conservation, physicochemical variation, residue mobility, and thermodynamic stability) performed at Invitae indicates that this missense variant is not expected to disrupt CSF1R protein function. This variant has not been reported in the literature in individuals affected with CSF1R-related conditions. This variant is not present in population databases (gnomAD no frequency).